The following is an entry in ClinVar:

NM_000843.4(GRM6):c.2124+8C>T

Genes: GRM6 (glutamate metabotropic receptor 6; minus strand), ZNF454 (zinc finger protein 454; plus strand). Cytogenetic location: 5q35.3.
Variant type: single nucleotide variant.
Coding change: c.2124+8C>T on transcript NM_000843.4 (MANE Select); 8 bases into the intron after coding-DNA position 2124, C replaced by T.
Molecular consequence: intron variant.
Genome position (GRCh38, 1-based): chr5:178,986,122, G>A on the plus strand (C>T on the coding strand, the complement: GRM6 is on the minus strand). VCF-style: chr5-178986122-G-A. GRCh37 (hg19) VCF-style: chr5-178413123-G-A.
Identifiers: ClinVar variation 729466 (VCV000729466.15), dbSNP rs371646537, ClinGen allele CA3593819.

ClinVar aggregate classification (germline): Likely benign. Review status: criteria provided, multiple submitters, no conflicts (2 of 4 stars). 4 submissions from 4 submitters: Likely benign (3). 1 of the submissions does not count toward it. Last evaluated 2025-10-18.

Conditions:
GRM6-related disorder. Also called: GRM6-related condition.

Allele frequency attached by ClinVar (database versions not stated): gnomAD exomes 0.00013 and 0.00017; 1000 Genomes Project 30x 0.00016; ExAC 0.00019; 1000 Genomes Project 0.00020; TOPMed 0.00026; gnomAD 0.00028 and 0.00031; ESP Exome Variant Server 0.00054.
gnomAD v4.1: 235 of 1,612,050 alleles (0.015%); highest among the groups gnomAD compares: African/African-American, 0.049%; 1 homozygote.

Submissions (4):

Labcorp Genetics (formerly Invitae), Labcorp
Classification: Likely benign. Last evaluated: 2025-10-18. Review status: criteria provided, single submitter. Criteria: Invitae Variant Classification Sherloc (09022015). Collection method: clinical testing. Allele origin: germline.

Blueprint Genetics
Classification: Likely benign. Last evaluated: 2024-09-10. Review status: criteria provided, single submitter. Criteria: ACMG Guidelines, 2015. Collection method: clinical testing. Allele origin: germline.

Breakthrough Genomics
Classification: Likely benign. Review status: criteria provided, single submitter. Criteria: ACMG Guidelines, 2015. Collection method: not provided. Allele origin: germline. Inheritance: Autosomal recessive inheritance. Affected: yes.

PreventionGenetics, part of Exact Sciences
Classification: Likely benign for GRM6-related condition. Last evaluated: 2019-06-04. Review status: no assertion criteria provided. Collection method: clinical testing. Allele origin: germline. Not counted in ClinVar's aggregate classification.
Comment: This variant is classified as likely benign based on ACMG/AMP sequence variant interpretation guidelines (Richards et al. 2015 PMID: 25741868, with internal and published modifications).